The following is an entry in ClinVar:

ClinVar aggregate classification (germline): Uncertain significance (1 of 4 stars; one submission).

Conditions:
Facioscapulohumeral muscular dystrophy 2 (FSHD2). Also called: MUSCULAR DYSTROPHY, FACIOSCAPULOHUMERAL, TYPE 1B; FACIOSCAPULOHUMERAL MUSCULAR DYSTROPHY 2, DIGENIC; FSHD2, DIGENIC. Identifiers: Orphanet 269, MedGen C1834671, MONDO:0008031, OMIM 158901.

Submission:

Labcorp Genetics (formerly Invitae), Labcorp
Classification: Uncertain significance for Facioscapulohumeral muscular dystrophy 2. Last evaluated: 2025-04-04. Review status: criteria provided, single submitter. Criteria: Invitae Variant Classification Sherloc (09022015). Collection method: clinical testing. Allele origin: germline.
Comment: This sequence change replaces methionine, which is neutral and non-polar, with leucine, which is neutral and non-polar, at codon 1573 of the SMCHD1 protein (p.Met1573Leu). This variant is not present in population databases (gnomAD no frequency). This variant has not been reported in the literature in individuals affected with SMCHD1-related conditions. ClinVar contains an entry for this variant (Variation ID: 3604045). An algorithm developed to predict the effect of missense changes on protein structure and function (PolyPhen-2) suggests that this variant is likely to be tolerated. In summary, the available evidence is currently insufficient to determine the role of this variant in disease. Therefore, it has been classified as a Variant of Uncertain Significance.

NM_015295.3(SMCHD1):c.4717A>T (p.Met1573Leu)

Gene: SMCHD1 (structural maintenance of chromosomes flexible hinge domain containing 1; plus strand). Cytogenetic location: 18p11.32.
Variant type: single nucleotide variant.
Coding change: c.4717A>T on transcript NM_015295.3 (MANE Select); coding-DNA position 4717, A replaced by T.
Protein change: p.Met1573Leu; replaces methionine 1573 with leucine.
Molecular consequence: missense variant.
Genome position (GRCh38, 1-based): chr18:2,763,787, A>T. VCF-style: chr18-2763787-A-T. GRCh37 (hg19) VCF-style: chr18-2763785-A-T.
Other names: short protein forms M1573L.
Identifiers: ClinVar variation 3604045 (VCV003604045.2).